The following is an entry in ClinVar:

NC_000017.10:g.(?_15133096)_(15165152_?)dup

Genes: MIR4731 (microRNA 4731; minus strand), PMP22 (peripheral myelin protein 22; minus strand), LOC130060307 (ATAC-STARR-seq lymphoblastoid silent region 8211; plus strand). Cytogenetic location: 17p12.
Variant type: Duplication.
Identifiers: ClinVar variation 660675 (VCV000660675.2).

ClinVar aggregate classification (germline): Pathogenic (1 of 4 stars; one submission).

Conditions:
Charcot-Marie-Tooth disease, type I (CMT1). Also called: Charcot-Marie-Tooth disease type 1; Charcot-Marie-Tooth, Type 1. Identifiers: Orphanet 65753, MedGen C0751036, MONDO:0019011.

Submission:

Labcorp Genetics (formerly Invitae), Labcorp
Classification: Pathogenic for Charcot-Marie-Tooth disease, type I. Last evaluated: 2019-08-06. Review status: criteria provided, single submitter. Criteria: Invitae Variant Classification Sherloc (09022015). Collection method: clinical testing. Allele origin: germline.
Comment: This variant is a gross duplication of the genomic region encompassing exons 2-5 of the PMP22 gene. This assay only includes exons 2-5 of PMP22, which covers the entire coding sequence. Therefore, it is assumed that the entire gene is duplicated. Duplications of the region on chromosome 17p11.2 which contain the PMP22 gene cause Charcot-Marie-Tooth type 1A (CMT1A) (PMID: 1677316, 1822787). These reported duplications have been shown to lead to increased gene dosage as the functional defect in patients with CMT1A (PMID: 1303230). For these reasons, this variant has been classified as Pathogenic.

Literature cited by the submitters: PubMed 1822787; PubMed 1303230; PubMed 1677316.